The following is an entry in ClinVar:

ClinVar aggregate classification (germline): Conflicting classifications of pathogenicity. Review status: criteria provided, conflicting classifications (1 of 4 stars). 3 submissions from 3 submitters: Uncertain significance (2); Likely benign (1). Last evaluated 2024-08-19.

Conditions:
Epidermolysis bullosa, junctional 7, with interstitial lung disease and nephrotic syndrome. Also called: Interstitial lung disease, nephrotic syndrome, and epidermolysis bullosa, congenital; Interstitial Lung Disease with Nephrotic Syndrome and Epidermolysis Bullosa. Identifiers: Orphanet 306504, MedGen C4518785, MONDO:0013881, OMIM 614748.
Inborn genetic diseases. Identifiers: MedGen C0950123, MeSH D030342.

Allele frequency attached by ClinVar (database versions not stated): gnomAD exomes 0.00004; TOPMed 0.00004; gnomAD 0.00001; ESP Exome Variant Server 0.00008; ExAC 0.00009.
gnomAD v4.1: 55 of 1,613,930 alleles (0.0034%); highest among the groups gnomAD compares: Admixed American, 0.017%; no homozygotes.

Submissions (3):

Ambry Genetics
Classification: Likely benign for Inborn genetic diseases. Last evaluated: 2024-08-19. Review status: criteria provided, single submitter. Criteria: Ambry Variant Classification Scheme 2023. Collection method: clinical testing. Allele origin: germline.

Fulgent Genetics
Classification: Uncertain significance for Epidermolysis bullosa, junctional 7, with interstitial lung disease and nephrotic syndrome. Last evaluated: 2024-05-09. Review status: criteria provided, single submitter. Criteria: ACMG Guidelines, 2015. Collection method: clinical testing. Allele origin: germline.

Labcorp Genetics (formerly Invitae), Labcorp
Classification: Uncertain significance. Last evaluated: 2022-05-03. Review status: criteria provided, single submitter. Criteria: Invitae Variant Classification Sherloc (09022015). Collection method: clinical testing. Allele origin: germline.
Comment: This sequence change replaces valine, which is neutral and non-polar, with isoleucine, which is neutral and non-polar, at codon 838 of the ITGA3 protein (p.Val838Ile). This variant is present in population databases (rs370218357, gnomAD 0.05%). This variant has not been reported in the literature in individuals affected with ITGA3-related conditions. Algorithms developed to predict the effect of missense changes on protein structure and function output the following: SIFT: "Tolerated"; PolyPhen-2: "Benign"; Align-GVGD: "Class C0". The isoleucine amino acid residue is found in multiple mammalian species, which suggests that this missense change does not adversely affect protein function. In summary, the available evidence is currently insufficient to determine the role of this variant in disease. Therefore, it has been classified as a Variant of Uncertain Significance.

NM_002204.4(ITGA3):c.2512G>A (p.Val838Ile)

Gene: ITGA3 (integrin subunit alpha 3; plus strand). Cytogenetic location: 17q21.33.
Variant type: single nucleotide variant.
Coding change: c.2512G>A on transcript NM_002204.4 (MANE Select); coding-DNA position 2512, G replaced by A.
Protein change: p.Val838Ile; replaces valine 838 with isoleucine.
Molecular consequence: missense variant.
Genome position (GRCh38, 1-based): chr17:50,079,187, G>A. VCF-style: chr17-50079187-G-A. GRCh37 (hg19) VCF-style: chr17-48156551-G-A.
Other names: NM_005501.2:c.2512G>A; short protein forms V838I.
Identifiers: ClinVar variation 2070073 (VCV002070073.3), dbSNP rs370218357, ClinGen allele CA8641950.